The following is an entry in ClinVar:

ClinVar aggregate classification (germline): Benign/Likely benign. Review status: criteria provided, multiple submitters, no conflicts (2 of 4 stars). 5 submissions from 5 submitters: Benign (1); Likely benign (3). 1 of the submissions does not count toward it. Last evaluated 2026-01-01.

Conditions:
Usher syndrome type 1 (USH1). Also called: RETINITIS PIGMENTOSA AND CONGENITAL DEAFNESS. Identifiers: Orphanet 231169, Orphanet 886, MedGen C1568247, MONDO:0010168, OMIM 276900.
Autosomal recessive nonsyndromic hearing loss 12. Also called: DEAFNESS, AUTOSOMAL RECESSIVE 12. Identifiers: Orphanet 90636, MedGen C1832394, MONDO:0011067, OMIM 601386.
Usher syndrome type 1D (USH1D). Also called: USHER SYNDROME, TYPE ID. Identifiers: Orphanet 231169, Orphanet 886, MedGen C1832845, MONDO:0010984, OMIM 601067.
Pituitary adenoma 5, multiple types. Identifiers: MedGen C4539685, MONDO:0054601, OMIM 617540.

Allele frequency attached by ClinVar (database versions not stated): TOPMed 0.00006; 1000 Genomes Project 30x 0.00265; 1000 Genomes Project 0.00280.
gnomAD v4.1: 967 of 1,578,332 alleles (0.061%); highest among the groups gnomAD compares: South Asian, 0.92%; 12 homozygotes.

Submissions (5):

CeGaT Center for Human Genetics Tuebingen
Classification: Likely benign. Last evaluated: 2026-01-01. Review status: criteria provided, single submitter. Criteria: CeGaT Center For Human Genetics Tuebingen Variant Classification Criteria Version 2. Collection method: clinical testing. Allele origin: germline. Affected: yes. Observed: 4 variant alleles.
Comment: CDH23: BP4, BP7, BS2

Fulgent Genetics
Classification: Likely benign for Usher syndrome type 1D; Autosomal recessive nonsyndromic hearing loss 12; Pituitary adenoma 5, multiple types. Last evaluated: 2021-12-13. Review status: criteria provided, single submitter. Criteria: ACMG Guidelines, 2015. Collection method: clinical testing. Allele origin: unknown.

GeneDx
Classification: Likely benign. Last evaluated: 2020-12-15. Review status: criteria provided, single submitter. Criteria: GeneDx Variant Classification Process June 2021. Collection method: clinical testing. Allele origin: germline. Affected: yes.

Labcorp Genetics (formerly Invitae), Labcorp
Classification: Benign. Last evaluated: 2019-12-31. Review status: criteria provided, single submitter. Criteria: Invitae Variant Classification Sherloc (09022015). Collection method: clinical testing. Allele origin: germline.

Natera, Inc.
Classification: Benign for Usher syndrome type 1. Last evaluated: 2020-09-16. Review status: no assertion criteria provided. Collection method: clinical testing. Allele origin: germline. Not counted in ClinVar's aggregate classification.

NM_022124.6(CDH23):c.8121G>T (p.Pro2707=)

Gene: CDH23 (cadherin related 23; plus strand). Cytogenetic location: 10q22.1.
Variant type: single nucleotide variant.
Coding change: c.8121G>T on transcript NM_022124.6 (MANE Select); coding-DNA position 8121, G replaced by T.
Protein change: p.Pro2707=; no amino-acid change (proline 2707 retained).
Molecular consequence: synonymous variant.
Genome position (GRCh38, 1-based): chr10:71,806,224, G>T. VCF-style: chr10-71806224-G-T. GRCh37 (hg19) VCF-style: chr10-73565981-G-T.
Other names: c.1401G>T, p.Pro467= (NM_001171933.1, NM_001171934.1).
Identifiers: ClinVar variation 735477 (VCV000735477.32), dbSNP rs377535432, ClinGen allele CA5546554.
Genomic context (GRCh38, chr10:71,806,224, plus strand): 5'-CTAGCTCATCTTGGTGGCCAGCGACCTGGGCCAGCCAGTGCCATACGAGACTATGCAGCC[G>T]CTGCAGGTGGCCCTGGAGGACATCGATGACAACGAACCCCTTTTCGTGAGGCCTCCAGTG-3'
Protein context (NP_071407.4, residues 2697-2717): GQPVPYETMQ[Pro2707=]LQVALEDIDD